The following is an entry in ClinVar:

ClinVar aggregate classification (germline): Uncertain significance (1 of 4 stars; one submission).

Conditions:
Costello syndrome (CSTLO). Also called: HRAS-Related Costello Syndrome; FACIOCUTANEOSKELETAL SYNDROME; FCS SYNDROME. Identifiers: Orphanet 3071, MedGen C0587248, MONDO:0009026, OMIM 218040.

Submission:

Labcorp Genetics (formerly Invitae), Labcorp
Classification: Uncertain significance for Costello syndrome. Last evaluated: 2022-02-20. Review status: criteria provided, single submitter. Criteria: Invitae Variant Classification Sherloc (09022015). Collection method: clinical testing. Allele origin: germline.
Comment: This sequence change replaces valine, which is neutral and non-polar, with glycine, which is neutral and non-polar, at codon 160 of the HRAS protein (p.Val160Gly). This variant is not present in population databases (gnomAD no frequency). In summary, the available evidence is currently insufficient to determine the role of this variant in disease. Therefore, it has been classified as a Variant of Uncertain Significance. Advanced modeling of protein sequence and biophysical properties (such as structural, functional, and spatial information, amino acid conservation, physicochemical variation, residue mobility, and thermodynamic stability) performed at Invitae indicates that this missense variant is expected to disrupt HRAS protein function. This variant has not been reported in the literature in individuals affected with HRAS-related conditions.

NM_005343.4(HRAS):c.479T>G (p.Val160Gly)

Genes: HRAS (HRas proto-oncogene, GTPase; minus strand), LRRC56 (leucine rich repeat containing 56; plus strand). Cytogenetic location: 11p15.5.
Variant type: single nucleotide variant.
Coding change: c.479T>G on transcript NM_005343.4 (MANE Select); coding-DNA position 479, T replaced by G.
Protein change: p.Val160Gly; replaces valine 160 with glycine.
Molecular consequence: missense variant. On other transcripts: 3 prime UTR variant (1).
Genome position (GRCh38, 1-based): chr11:532,727, A>C on the plus strand (T>G on the coding strand, the complement: HRAS is on the minus strand). VCF-style: chr11-532727-A-C. GRCh37 (hg19) VCF-style: chr11-532727-A-C.
Other names: c.479T>G, p.Val160Gly (NM_001130442.3); c.242T>G, p.Val81Gly (NM_001318054.2); c.*48T>G (NM_176795.5); short protein forms V81G, V160G.
Identifiers: ClinVar variation 1938886 (VCV001938886.5), dbSNP rs1851181776, ClinGen allele CA378921172.